The following is an entry in ClinVar:

NM_138433.5(KLHDC7B):c.725C>T (p.Ala242Val)

Genes: KLHDC7B (kelch domain containing 7B; plus strand), KLHDC7B-DT (KLHDC7B divergent transcript; minus strand). Cytogenetic location: 22q13.33.
Variant type: single nucleotide variant.
Coding change: c.725C>T on transcript NM_138433.5 (MANE Select); coding-DNA position 725, C replaced by T.
Protein change: p.Ala242Val; replaces alanine 242 with valine.
Molecular consequence: missense variant.
Genome position (GRCh38, 1-based): chr22:50,546,968, C>T. VCF-style: chr22-50546968-C-T. GRCh37 (hg19) VCF-style: chr22-50985397-C-T.
Other names: short protein forms A242V.
Identifiers: ClinVar variation 3770568 (VCV003770568.13).
Genomic context (GRCh38, chr22:50,546,968, plus strand): 5'-GCTCGATGGGGAGAGGCCGGGGCCGGCGGCGGCGGATGGACGCTGGCTCGGGAGACAGAG[C>T]CCGCCGCCCCCGGAAACTGGACCCGCTCCGCCTGGGCGCCGCGGGGAGCGTGTGGGACGC-3'
Protein context (NP_612442.3, residues 232-252): RRMDAGSGDR[Ala242Val]RRPRKLDPLR

ClinVar aggregate classification (germline): Likely benign (1 of 4 stars; one submission).

gnomAD v4.1: 659 of 151,654 alleles (0.43%); highest among the groups gnomAD compares: Non-Finnish European, 0.76%; 3 homozygotes.

Submission:

CeGaT Center for Human Genetics Tuebingen
Classification: Likely benign. Last evaluated: 2025-01-01. Review status: criteria provided, single submitter. Criteria: CeGaT Center For Human Genetics Tuebingen Variant Classification Criteria Version 2. Collection method: clinical testing. Allele origin: germline. Affected: yes. Observed: 1 variant allele.
Comment: KLHDC7B: BS2